The following is an entry in ClinVar:

ClinVar aggregate classification (germline): Benign/Likely benign. Review status: criteria provided, multiple submitters, no conflicts (2 of 4 stars). 5 submissions from 5 submitters: Benign (4); Likely benign (1). Last evaluated 2026-01-21.

Conditions:
Hereditary spastic paraplegia 10 (SPG10). Also called: SPASTIC PARAPLEGIA 10 WITH OR WITHOUT PERIPHERAL NEUROPATHY; SPASTIC PARAPLEGIA 10 WITH PERIPHERAL NEUROPATHY; SPASTIC PARAPLEGIA 10, AUTOSOMAL DOMINANT. Identifiers: Orphanet 100991, MedGen C1858712, MONDO:0011408, OMIM 604187.
Spastic paraplegia. Identifiers: MedGen C0037772, HP:0001258.

Allele frequency attached by ClinVar (database versions not stated): gnomAD exomes 0.00005 and 0.00014; ExAC 0.00017; 1000 Genomes Project 30x 0.00047; gnomAD 0.00052 and 0.00054; 1000 Genomes Project 0.00060; TOPMed 0.00072; ESP Exome Variant Server 0.00077.

Submissions (5):

Labcorp Genetics (formerly Invitae), Labcorp
Classification: Benign for Spastic paraplegia. Last evaluated: 2026-01-21. Review status: criteria provided, single submitter. Criteria: Invitae Variant Classification Sherloc (09022015). Collection method: clinical testing. Allele origin: germline.

Mayo Clinic Laboratories, Mayo Clinic
Classification: Benign. Last evaluated: 2025-10-01. Review status: criteria provided, single submitter. Criteria: ACMG Guidelines, 2015. Collection method: clinical testing. Allele origin: germline. Observed: 1 variant allele.
Comment: BS1, BS2, BP4, BP7

Blueprint Genetics
Classification: Likely benign. Last evaluated: 2023-09-11. Review status: criteria provided, single submitter. Criteria: ACMG Guidelines, 2015. Collection method: clinical testing. Allele origin: germline.

GeneDx
Classification: Benign. Last evaluated: 2020-07-14. Review status: criteria provided, single submitter. Criteria: GeneDx Variant Classification Process June 2021. Collection method: clinical testing. Allele origin: germline. Affected: yes.

Illumina Laboratory Services, Illumina
Classification: Benign for Hereditary spastic paraplegia 10. Last evaluated: 2018-01-13. Review status: criteria provided, single submitter. Criteria: ICSL Variant Classification Criteria 13 December 2019. Collection method: clinical testing. Allele origin: germline.
Comment: This variant was observed in the ICSL laboratory as part of a predisposition screen in an ostensibly healthy population. It had not been previously curated by ICSL or reported in the Human Gene Mutation Database (HGMD: prior to June 1st, 2018), and was therefore a candidate for classification through an automated scoring system. Utilizing variant allele frequency, disease prevalence and penetrance estimates, and inheritance mode, an automated score was calculated to assess if this variant is too frequent to cause the disease. Based on the score and internal cut-off values, a variant classified as benign is not then subjected to further curation. The score for this variant resulted in a classification of benign for this disease.

NM_004984.4(KIF5A):c.2403C>T (p.Phe801=)

Gene: KIF5A (kinesin family member 5A; plus strand). Cytogenetic location: 12q13.3.
Variant type: single nucleotide variant.
Coding change: c.2403C>T on transcript NM_004984.4 (MANE Select); coding-DNA position 2403, C replaced by T.
Protein change: p.Phe801=; no amino-acid change (phenylalanine 801 retained).
Molecular consequence: synonymous variant.
Genome position (GRCh38, 1-based): chr12:57,578,050, C>T. VCF-style: chr12-57578050-C-T. GRCh37 (hg19) VCF-style: chr12-57971833-C-T.
Other names: p.Phe801=; c.2136C>T, p.Phe712= (NM_001354705.2).
Identifiers: ClinVar variation 385059 (VCV000385059.17), dbSNP rs149934878, ClinGen allele CA6653102.